The following is an entry in ClinVar:

ClinVar aggregate classification (germline): Benign/Likely benign. Review status: criteria provided, multiple submitters, no conflicts (2 of 4 stars). 3 submissions from 3 submitters: Benign (1); Likely benign (2). Last evaluated 2025-03-23.

Conditions:
Hereditary cancer-predisposing syndrome. Also called: Hereditary Cancer Syndrome; Tumor predisposition; Hereditary neoplastic syndrome; Neoplastic Syndromes, Hereditary. Identifiers: Orphanet 140162, MedGen C0027672, MeSH D009386, MONDO:0015356.
Juvenile polyposis syndrome (JPS). Identifiers: Orphanet 2929, MedGen C0345893, MONDO:0017380, OMIM 174900.

gnomAD v4.1: 1 of 1,614,202 alleles (0.000062%); highest among the groups gnomAD compares: Non-Finnish European, 0.000085%; no homozygotes.

Submissions (3):

Labcorp Genetics (formerly Invitae), Labcorp
Classification: Likely benign for Juvenile polyposis syndrome. Last evaluated: 2025-03-23. Review status: criteria provided, single submitter. Criteria: Invitae Variant Classification Sherloc (09022015). Collection method: clinical testing. Allele origin: germline.

Ambry Genetics
Classification: Likely benign for Hereditary cancer-predisposing syndrome. Last evaluated: 2024-12-19. Review status: criteria provided, single submitter. Criteria: Ambry Variant Classification Scheme 2023. Collection method: clinical testing. Allele origin: germline.

Myriad Genetics, Inc.
Classification: Benign for Juvenile polyposis syndrome. Last evaluated: 2024-08-07. Review status: criteria provided, single submitter. Criteria: Myriad Autosomal Dominant, Autosomal Recessive and X-Linked Classification Criteria (2023). Collection method: clinical testing. Allele origin: unknown.
Comment: This variant is considered benign. This variant is a silent/synonymous amino acid change and it is not expected to impact splicing.

NM_004329.3(BMPR1A):c.1272C>T (p.Pro424=)

Gene: BMPR1A (bone morphogenetic protein receptor type 1A; plus strand). Cytogenetic location: 10q23.2.
Variant type: single nucleotide variant.
Coding change: c.1272C>T on transcript NM_004329.3 (MANE Select); coding-DNA position 1272, C replaced by T.
Protein change: p.Pro424=; no amino-acid change (proline 424 retained).
Molecular consequence: synonymous variant. On other transcripts: non-coding transcript variant (3).
Genome position (GRCh38, 1-based): chr10:86,921,625, C>T. VCF-style: chr10-86921625-C-T. GRCh37 (hg19) VCF-style: chr10-88681382-C-T.
Other names: c.1272C>T, p.Pro424= (NM_001406572.1, NM_001406573.1, NM_001406574.1 and 19 more transcripts); c.1347C>T, p.Pro449= (NM_001406559.1); c.1320C>T, p.Pro440= (NM_001406560.1); c.1266C>T, p.Pro422= (NM_001406583.1); c.1188C>T, p.Pro396= (NM_001406584.1, NM_001406585.1, NM_001406586.1 and 2 more transcripts); c.930C>T, p.Pro310= (NM_001406589.1).
Identifiers: ClinVar variation 3378434 (VCV003378434.4).